The following is an entry in ClinVar:

NM_000260.4(MYO7A):c.2722del (p.Asp908fs)

Gene: MYO7A (myosin VIIA; plus strand). Cytogenetic location: 11q13.5.
Variant type: Deletion.
Coding change: c.2722del on transcript NM_000260.4 (MANE Select); coding-DNA position 2722, one base deleted (G; older notation c.2722delG).
Protein change: p.Asp908fs; shifts the reading frame from aspartic acid 908.
Molecular consequence: frameshift variant.
Genome position (GRCh38, 1-based): chr11:77,181,407, G deleted; the last of 2 consecutive G bases (chr11:77,181,406-77,181,407); deleting either gives the same sequence. VCF-style (leftmost placement, unchanged base first): chr11-77181405-AG-A. GRCh37 (hg19) VCF-style: chr11-76892451-AG-A.
Other names: c.2722del, p.Asp908fs (NM_001127180.2); c.2689del, p.Asp897fs (NM_001369365.1); short protein forms D897fs, D908fs.
Identifiers: ClinVar variation 1070081 (VCV001070081.7), dbSNP rs2135486189, ClinGen allele CA2499221318.

ClinVar aggregate classification (germline): Pathogenic (1 of 4 stars; one submission).

Submission:

Labcorp Genetics (formerly Invitae), Labcorp
Classification: Pathogenic. Last evaluated: 2020-04-11. Review status: criteria provided, single submitter. Criteria: Invitae Variant Classification Sherloc (09022015). Collection method: clinical testing. Allele origin: germline.
Comment: This sequence change creates a premature translational stop signal (p.Asp908Thrfs*6) in the MYO7A gene. It is expected to result in an absent or disrupted protein product. This variant is not present in population databases (ExAC no frequency). This variant has not been reported in the literature in individuals with MYO7A-related conditions. Loss-of-function variants in MYO7A are known to be pathogenic (PMID: 8900236, 25404053). For these reasons, this variant has been classified as Pathogenic.

Literature cited by the submitters: PubMed 8900236; PubMed 25404053.